The following is an entry in ClinVar:

NM_152564.5(VPS13B):c.10650C>G (p.His3550Gln)

Gene: VPS13B (vacuolar protein sorting 13 homolog B; plus strand). Cytogenetic location: 8q22.2.
Variant type: single nucleotide variant.
Coding change: c.10650C>G on transcript NM_152564.5 (MANE Select); coding-DNA position 10650, C replaced by G.
Protein change: p.His3550Gln; replaces histidine 3550 with glutamine.
Molecular consequence: missense variant.
Genome position (GRCh38, 1-based): chr8:99,854,039, C>G. VCF-style: chr8-99854039-C-G. GRCh37 (hg19) VCF-style: chr8-100866267-C-G.
Other names: c.10725C>G, p.His3575Gln (NM_017890.5); short protein forms H3550Q, H3575Q.
Identifiers: ClinVar variation 1388425 (VCV001388425.6), dbSNP rs372367817, ClinGen allele CA371784911.

ClinVar aggregate classification (germline): Uncertain significance (1 of 4 stars; one submission).

Conditions:
Cohen syndrome (COH1). Also called: PEPPER SYNDROME; Cutis verticis gyrata, retinitis pigmentosa, and sensorineural deafness. Identifiers: Orphanet 193, MedGen C0265223, MONDO:0008999, OMIM 216550.

Submission:

Labcorp Genetics (formerly Invitae), Labcorp
Classification: Uncertain significance for Cohen syndrome. Last evaluated: 2021-10-21. Review status: criteria provided, single submitter. Criteria: Invitae Variant Classification Sherloc (09022015). Collection method: clinical testing. Allele origin: germline.
Comment: In summary, the available evidence is currently insufficient to determine the role of this variant in disease. Therefore, it has been classified as a Variant of Uncertain Significance. Algorithms developed to predict the effect of missense changes on protein structure and function are either unavailable or do not agree on the potential impact of this missense change (SIFT: "Not Available"; PolyPhen-2: "Benign"; Align-GVGD: "Not Available"). This variant has not been reported in the literature in individuals affected with VPS13B-related conditions. This variant is not present in population databases (ExAC no frequency). This sequence change replaces histidine with glutamine at codon 3575 of the VPS13B protein (p.His3575Gln). The histidine residue is moderately conserved and there is a small physicochemical difference between histidine and glutamine.